The following is an entry in ClinVar:

NM_024921.4(POF1B):c.*775G>T

Gene: POF1B (POF1B actin binding protein; minus strand). Cytogenetic location: Xq21.1.
Variant type: single nucleotide variant.
Coding change: c.*775G>T on transcript NM_024921.4 (MANE Select); 775 bases downstream of the stop codon, G replaced by T.
Molecular consequence: 3 prime UTR variant.
Genome position (GRCh38, 1-based): chrX:85,278,646, C>A on the plus strand (G>T on the coding strand, the complement: POF1B is on the minus strand). VCF-style: chrX-85278646-C-A. GRCh37 (hg19) VCF-style: chrX-84533652-C-A.
Identifiers: ClinVar variation 368769 (VCV000368769.5), dbSNP rs147030302, ClinGen allele CA10654412.

ClinVar aggregate classification (germline): Benign (1 of 4 stars; one submission).

Conditions:
Premature ovarian failure 2B. Identifiers: MedGen C1845105, MONDO:0010373, OMIM 300604.

Allele frequency attached by ClinVar (database versions not stated): gnomAD exomes 0.00358; 1000 Genomes Project 0.00397; 1000 Genomes Project 30x 0.00499; TOPMed 0.00837; gnomAD 0.00900 and 0.00905.
gnomAD v4.1: 997 of 110,759 alleles (0.9%); highest among the groups gnomAD compares: Middle Eastern, 4.7%; 10 homozygotes.

Submission:

Illumina Laboratory Services, Illumina
Classification: Benign for Premature ovarian failure 2B. Last evaluated: 2018-01-13. Review status: criteria provided, single submitter. Criteria: ICSL Variant Classification Criteria 13 December 2019. Collection method: clinical testing. Allele origin: germline.
Comment: This variant was observed in the ICSL laboratory as part of a predisposition screen in an ostensibly healthy population. It had not been previously curated by ICSL or reported in the Human Gene Mutation Database (HGMD: prior to June 1st, 2018), and was therefore a candidate for classification through an automated scoring system. Utilizing variant allele frequency, disease prevalence and penetrance estimates, and inheritance mode, an automated score was calculated to assess if this variant is too frequent to cause the disease. Based on the score and internal cut-off values, a variant classified as benign is not then subjected to further curation. The score for this variant resulted in a classification of benign for this disease.